The following is an entry in ClinVar:

NM_001204.7(BMPR2):c.1284C>T (p.Ser428=)

Gene: BMPR2 (bone morphogenetic protein receptor type 2; plus strand). Cytogenetic location: 2q33.2.
Variant type: single nucleotide variant.
Coding change: c.1284C>T on transcript NM_001204.7 (MANE Select); coding-DNA position 1284, C replaced by T.
Protein change: p.Ser428=; no amino-acid change (serine 428 retained).
Molecular consequence: synonymous variant.
Genome position (GRCh38, 1-based): chr2:202,542,318, C>T. VCF-style: chr2-202542318-C-T. GRCh37 (hg19) VCF-style: chr2-203407041-C-T.
Other names: NM_001204.7(BMPR2):c.1284C>T; p.Ser428=.
Identifiers: ClinVar variation 897319 (VCV000897319.14), dbSNP rs772817229, ClinGen allele CA2061344.

ClinVar aggregate classification (germline): Uncertain significance. Review status: reviewed by expert panel (3 of 4 stars). 4 submissions from 4 submitters: Uncertain significance (1). 3 of the submissions do not count toward it. Last evaluated 2024-05-01.

Conditions:
Inborn genetic diseases. Identifiers: MedGen C0950123, MeSH D030342.
Pulmonary hypertension, primary, 1 (PPH1). Also called: Pulmonary hypertension, familial primary, 1, with or without HHT. Identifiers: Orphanet 422, MedGen C4552070, MONDO:0024533, OMIM 178600.
Pulmonary arterial hypertension. Identifiers: Orphanet 182090, MedGen C2973725, MeSH D000081029, MONDO:0015924, HP:0002092.
Primary pulmonary hypertension. Also called: Idiopathic pulmonary hypertension. Identifiers: MedGen C0152171.

Allele frequency attached by ClinVar (database versions not stated): ExAC 0.00004; TOPMed 0.00004; gnomAD exomes 0.00005; gnomAD 0.00006.
gnomAD v4.1: 184 of 1,613,656 alleles (0.011%); highest among the groups gnomAD compares: Non-Finnish European, 0.014%; no homozygotes.

Submissions (4):

Clingen Pulmonary Hypertension Variant Curation Expert Panel, ClinGen
Classification: Uncertain significance for Pulmonary arterial hypertension. Last evaluated: 2024-05-01. Review status: reviewed by expert panel. Criteria: ClinGen PH ACMG Specifications BMPR2 V1.1.0. Collection method: curation. Allele origin: germline.
Comment: NM_001204.7(BMPR2):c.1284C>T (p.Ser428Ser) The BMPR2 c.1284C>T variant is a synonymous (silent) variant that is not predicted by SpliceAI to impact splicing.The highest population minor allele frequency in gnomAD v2.1.1 controls is 0.072% (3/4154 alleles) in the Estonian population, which is lower than the ClinGen Pulmonary Hypertension VCEP threshold of >0.1% for BS1 and >1% for BA1, and higher than the ClinGen Pulmonary Hypertension VCEP threshold of <0.01% for PM2. Neither BS1, BA1 nor PM2 are met. BS2 was not met as the variant was not observed as a homozygous allele in gnomAD v2.1.1 controls. Neither BP4 nor PP3 were met based on the computational predictor, CADD, giving a score of 11.4 which is above the threshold of <=10.0 for BP4 and below the threshold of >=20 for PP3. Due to the absence of segregation data PP1, PM6 and PS2 could not be evaluated. Due to absence of functional data PS3 could not be evaluated. In summary, the variant meets the criteria to be classified as a variant of uncertain significance for pulmonary arterial hypertension based on the ACMG/AMP criteria applied, as specified by the ClinGen Pulmonary Hypertension VCEP: BP7 (VCEP specification version 1.1, 1/18/2024).

Labcorp Genetics (formerly Invitae), Labcorp
Classification: Likely benign for Primary pulmonary hypertension. Last evaluated: 2026-01-17. Review status: criteria provided, single submitter. Criteria: Invitae Variant Classification Sherloc (09022015). Collection method: clinical testing. Allele origin: germline. Not counted in ClinVar's aggregate classification.

Ambry Genetics
Classification: Likely benign for Inborn genetic diseases. Last evaluated: 2022-12-16. Review status: criteria provided, single submitter. Criteria: Ambry Variant Classification Scheme 2023. Collection method: clinical testing. Allele origin: germline. Not counted in ClinVar's aggregate classification.

Illumina Laboratory Services, Illumina
Classification: Uncertain significance for Pulmonary hypertension, primary, 1. Last evaluated: 2018-01-12. Review status: criteria provided, single submitter. Criteria: ICSL Variant Classification Criteria 13 December 2019. Collection method: clinical testing. Allele origin: germline. Not counted in ClinVar's aggregate classification.